The following is an entry in ClinVar:

NM_006904.7(PRKDC):c.922T>G (p.Leu308Val)

Gene: PRKDC (protein kinase, DNA-activated, catalytic subunit; minus strand). Cytogenetic location: 8q11.21.
Variant type: single nucleotide variant.
Coding change: c.922T>G on transcript NM_006904.7 (MANE Select); coding-DNA position 922, T replaced by G.
Protein change: p.Leu308Val; replaces leucine 308 with valine.
Molecular consequence: missense variant.
Genome position (GRCh38, 1-based): chr8:47,943,253, A>C on the plus strand (T>G on the coding strand, the complement: PRKDC is on the minus strand). VCF-style: chr8-47943253-A-C. GRCh37 (hg19) VCF-style: chr8-48855813-A-C.
Other names: c.922T>G, p.Leu308Val (NM_001081640.2); short protein forms L308V.
Identifiers: ClinVar variation 3310157 (VCV003310157.1).

ClinVar aggregate classification (germline): Uncertain significance (1 of 4 stars; one submission).

Submission:

Ambry Genetics
Classification: Uncertain significance. Last evaluated: 2024-05-24. Review status: criteria provided, single submitter. Criteria: Ambry Variant Classification Scheme 2023. Collection method: clinical testing. Allele origin: germline.
Comment: The p.L308V variant (also known as c.922T>G), located in coding exon 10 of the PRKDC gene, results from a T to G substitution at nucleotide position 922. The leucine at codon 308 is replaced by valine, an amino acid with highly similar properties. This amino acid position is conserved. In addition, this alteration is predicted to be tolerated by in silico analysis. Based on the available evidence, the clinical significance of this variant remains unclear.